The following is an entry in ClinVar:

ClinVar aggregate classification (germline): Uncertain significance (1 of 4 stars; one submission).

Conditions:
LAMA2-related muscular dystrophy (LAMA2-RD). Also called: Laminin alpha 2-related dystrophy. Identifiers: MedGen C5679788, MONDO:0100228.

Submission:

Labcorp Genetics (formerly Invitae), Labcorp
Classification: Uncertain significance for LAMA2-related muscular dystrophy. Last evaluated: 2022-06-27. Review status: criteria provided, single submitter. Criteria: Invitae Variant Classification Sherloc (09022015). Collection method: clinical testing. Allele origin: germline.
Comment: This sequence change falls in intron 11 of the LAMA2 gene. It does not directly change the encoded amino acid sequence of the LAMA2 protein. This variant is not present in population databases (gnomAD no frequency). In summary, the available evidence is currently insufficient to determine the role of this variant in disease. Therefore, it has been classified as a Variant of Uncertain Significance. This variant has not been reported in the literature in individuals affected with LAMA2-related conditions. Algorithms developed to predict the effect of sequence changes on RNA splicing suggest that this variant may create or strengthen a splice site.

NM_000426.4(LAMA2):c.1609-5C>G

Gene: LAMA2 (laminin subunit alpha 2; plus strand). Cytogenetic location: 6q22.33.
Variant type: single nucleotide variant.
Coding change: c.1609-5C>G on transcript NM_000426.4 (MANE Select); 5 bases into the intron before coding-DNA position 1609, C replaced by G.
Molecular consequence: intron variant.
Genome position (GRCh38, 1-based): chr6:129,192,675, C>G. VCF-style: chr6-129192675-C-G. GRCh37 (hg19) VCF-style: chr6-129513820-C-G.
Other names: c.1609-5C>G (NM_001079823.2).
Identifiers: ClinVar variation 1490350 (VCV001490350.8), dbSNP rs2115036833, ClinGen allele CA2573140439.